The following is an entry in ClinVar:

NM_001378452.1(ITPR1):c.238G>A (p.Ala80Thr)

Gene: ITPR1 (inositol 1,4,5-trisphosphate receptor type 1; plus strand). Cytogenetic location: 3p26.1.
Variant type: single nucleotide variant.
Coding change: c.238G>A on transcript NM_001378452.1 (MANE Select); coding-DNA position 238, G replaced by A.
Protein change: p.Ala80Thr; replaces alanine 80 with threonine.
Molecular consequence: missense variant.
Genome position (GRCh38, 1-based): chr3:4,627,837, G>A. VCF-style: chr3-4627837-G-A. GRCh37 (hg19) VCF-style: chr3-4669521-G-A.
Other names: c.238G>A, p.Ala80Thr (NM_001099952.4, NM_001168272.2, NM_002222.7); short protein forms A80T.
Identifiers: ClinVar variation 3861879 (VCV003861879.2).

ClinVar aggregate classification (germline): Uncertain significance. Review status: criteria provided, multiple submitters, no conflicts (2 of 4 stars). 2 submissions from 2 submitters: Uncertain significance (2). Last evaluated 2025-02-19.

Conditions:
Inborn genetic diseases. Identifiers: MedGen C0950123, MeSH D030342.

Submissions (2):

Ambry Genetics
Classification: Uncertain significance for Inborn genetic diseases. Last evaluated: 2025-02-19. Review status: criteria provided, single submitter. Criteria: Ambry Variant Classification Scheme 2023. Collection method: clinical testing. Allele origin: germline.

GeneDx
Classification: Uncertain significance. Last evaluated: 2024-12-20. Review status: criteria provided, single submitter. Criteria: GeneDx Variant Classification Process June 2021. Collection method: clinical testing. Allele origin: germline. Affected: yes.
Comment: Not observed at significant frequency in large population cohorts (gnomAD); In silico analysis indicates that this missense variant does not alter protein structure/function; Has not been previously published as pathogenic or benign to our knowledge